The following is an entry in ClinVar:

ClinVar aggregate classification (germline): Conflicting classifications of pathogenicity. Review status: criteria provided, conflicting classifications (1 of 4 stars). 3 submissions from 3 submitters: Pathogenic (1); Uncertain significance (2). Last evaluated 2023-04-26.

Conditions:
Autosomal dominant childhood-onset proximal spinal muscular atrophy without contractures. Also called: KUGELBERG-WELANDER SYNDROME, AUTOSOMAL DOMINANT; SPINAL MUSCULAR ATROPHY, JUVENILE, PROXIMAL, AUTOSOMAL DOMINANT; Spinal muscular atrophy, lower extremity-predominant 1, AD; SPINAL MUSCULAR ATROPHY, CHILDHOOD, PROXIMAL, AUTOSOMAL DOMINANT. Identifiers: Orphanet 209341, Orphanet 363447, MedGen C5780022, MONDO:0008026, OMIM 158600.
Charcot-Marie-Tooth disease axonal type 2O. Also called: Charcot-Marie-Tooth disease, axonal, type 20; CHARCOT-MARIE-TOOTH NEUROPATHY, AXONAL, TYPE 2O; CHARCOT-MARIE-TOOTH DISEASE, AXONAL, AUTOSOMAL DOMINANT, TYPE 2O; Charcot-Marie-Tooth Neuropathy Type 2O. Identifiers: Orphanet 284232, MedGen C3280220, MONDO:0013644, OMIM 614228.
Cortical dysplasia, complex, with other brain malformations 13. Also called: Intellectual disability, autosomal dominant 13. Identifiers: MedGen C3281202, MONDO:0013805, OMIM 614563.

Submissions (3):

GeneDx
Classification: Pathogenic. Last evaluated: 2023-04-26. Review status: criteria provided, single submitter. Criteria: GeneDx Variant Classification Process June 2021. Collection method: clinical testing. Allele origin: germline. Affected: yes.
Comment: Not observed at significant frequency in large population cohorts (gnomAD); In silico analysis supports that this missense variant has a deleterious effect on protein structure/function; This variant is associated with the following publications: (PMID: 25512093, 25609763, 26100331, 30687093)

Labcorp Genetics (formerly Invitae), Labcorp
Classification: Uncertain significance for Charcot-Marie-Tooth disease axonal type 2O. Last evaluated: 2023-02-10. Review status: criteria provided, single submitter. Criteria: Invitae Variant Classification Sherloc (09022015). Collection method: clinical testing. Allele origin: germline.
Comment: This sequence change replaces alanine, which is neutral and non-polar, with threonine, which is neutral and polar, at codon 3452 of the DYNC1H1 protein (p.Ala3452Thr). This variant is not present in population databases (gnomAD no frequency). This missense change has been observed in individual(s) with DYNC1H1-related conditions (PMID: 30687093). ClinVar contains an entry for this variant (Variation ID: 546509). Advanced modeling of protein sequence and biophysical properties (such as structural, functional, and spatial information, amino acid conservation, physicochemical variation, residue mobility, and thermodynamic stability) performed at Invitae indicates that this missense variant is expected to disrupt DYNC1H1 protein function. In summary, the available evidence is currently insufficient to determine the role of this variant in disease. Therefore, it has been classified as a Variant of Uncertain Significance.

Fulgent Genetics
Classification: Uncertain significance for Autosomal dominant childhood-onset proximal spinal muscular atrophy without contractures; Charcot-Marie-Tooth disease axonal type 2O; Cortical dysplasia, complex, with other brain malformations 13. Last evaluated: 2018-10-31. Review status: criteria provided, single submitter. Criteria: ACMG Guidelines, 2015. Collection method: clinical testing. Allele origin: unknown.

Literature cited by the submitters: PubMed 30687093 (cited by Labcorp Genetics (formerly Invitae), Labcorp).

NM_001376.5(DYNC1H1):c.10354G>A (p.Ala3452Thr)

Gene: DYNC1H1 (dynein cytoplasmic 1 heavy chain 1; plus strand). Cytogenetic location: 14q32.31.
Variant type: single nucleotide variant.
Coding change: c.10354G>A on transcript NM_001376.5 (MANE Select); coding-DNA position 10354, G replaced by A.
Protein change: p.Ala3452Thr; replaces alanine 3452 with threonine.
Molecular consequence: missense variant.
Genome position (GRCh38, 1-based): chr14:102,033,425, G>A. VCF-style: chr14-102033425-G-A. GRCh37 (hg19) VCF-style: chr14-102499762-G-A.
Other names: short protein forms A3452T.
Identifiers: ClinVar variation 546509 (VCV000546509.15), dbSNP rs1555411400, ClinGen allele CA391024509.